The following is an entry in ClinVar:

ClinVar aggregate classification (germline): Conflicting classifications of pathogenicity. Review status: criteria provided, conflicting classifications (1 of 4 stars). 2 submissions from 2 submitters: Uncertain significance (1); Likely benign (1). Last evaluated 2025-08-18.

Conditions:
Hereditary cancer-predisposing syndrome. Also called: Hereditary Cancer Syndrome; Tumor predisposition; Hereditary neoplastic syndrome; Neoplastic Syndromes, Hereditary. Identifiers: Orphanet 140162, MedGen C0027672, MeSH D009386, MONDO:0015356.
BAP1-related tumor predisposition syndrome (TPDS1). Also called: BAP1 tumor predisposition syndrome; COMMON Syndrome; Tumor susceptibility linked to germline BAP1 mutations; TUMOR PREDISPOSITION SYNDROME 1. Identifiers: Orphanet 289539, MedGen C3280492, MONDO:0013692, OMIM 614327.

Allele frequency attached by ClinVar (database versions not stated): gnomAD exomes below 0.00001; TOPMed below 0.00001; gnomAD 0.00001.
gnomAD v4.1: 2 of 1,608,914 alleles (0.00012%); highest among the groups gnomAD compares: Non-Finnish European, 0.00017%; no homozygotes.

Submissions (2):

Labcorp Genetics (formerly Invitae), Labcorp
Classification: Uncertain significance for BAP1-related tumor predisposition syndrome. Last evaluated: 2025-08-18. Review status: criteria provided, single submitter. Criteria: Invitae Variant Classification Sherloc (09022015). Collection method: clinical testing. Allele origin: germline.
Comment: This sequence change replaces proline, which is neutral and non-polar, with serine, which is neutral and polar, at codon 42 of the BAP1 protein (p.Pro42Ser). This variant is not present in population databases (gnomAD no frequency). This variant has not been reported in the literature in individuals affected with BAP1-related conditions. ClinVar contains an entry for this variant (Variation ID: 1056010). An algorithm developed to predict the effect of missense changes on protein structure and function (PolyPhen-2) suggests that this variant is likely to be disruptive. In summary, the available evidence is currently insufficient to determine the role of this variant in disease. Therefore, it has been classified as a Variant of Uncertain Significance.

Ambry Genetics
Classification: Likely benign for Hereditary cancer-predisposing syndrome. Last evaluated: 2025-03-05. Review status: criteria provided, single submitter. Criteria: Ambry Variant Classification Scheme 2023. Collection method: clinical testing. Allele origin: germline.

Literature cited by the submitters: PubMed 38969833 (cited by Ambry Genetics).

NM_004656.4(BAP1):c.124C>T (p.Pro42Ser)

Gene: BAP1 (BRCA1 associated deubiquitinase 1; minus strand). Cytogenetic location: 3p21.1.
Variant type: single nucleotide variant.
Coding change: c.124C>T on transcript NM_004656.4 (MANE Select); coding-DNA position 124, C replaced by T.
Protein change: p.Pro42Ser; replaces proline 42 with serine.
Molecular consequence: missense variant.
Genome position (GRCh38, 1-based): chr3:52,408,605, G>A on the plus strand (C>T on the coding strand, the complement: BAP1 is on the minus strand). VCF-style: chr3-52408605-G-A. GRCh37 (hg19) VCF-style: chr3-52442621-G-A.
Other names: short protein forms P42S.
Identifiers: ClinVar variation 1056010 (VCV001056010.8), dbSNP rs1467630034, ClinGen allele CA353113848.